The following is an entry in ClinVar:

ClinVar aggregate classification (germline): Likely benign (1 of 4 stars; one submission).

Allele frequency attached by ClinVar (database versions not stated): 1000 Genomes Project 30x 0.00172; 1000 Genomes Project 0.00180; TOPMed 0.00275; gnomAD 0.00290; ESP Exome Variant Server 0.00300; ExAC 0.00314; gnomAD exomes 0.00322.

Submission:

CeGaT Center for Human Genetics Tuebingen
Classification: Likely benign. Last evaluated: 2023-03-01. Review status: criteria provided, single submitter. Criteria: CeGaT Center For Human Genetics Tuebingen Variant Classification Criteria Version 2. Collection method: clinical testing. Allele origin: germline. Affected: yes. Observed: 2 variant alleles.
Comment: KLHL2: BP4, BP7, BS2

NM_007246.4(KLHL2):c.891C>G (p.Thr297=)

Gene: KLHL2 (kelch like family member 2; plus strand). Cytogenetic location: 4q32.3.
Variant type: single nucleotide variant.
Coding change: c.891C>G on transcript NM_007246.4 (MANE Select); coding-DNA position 891, C replaced by G.
Protein change: p.Thr297=; no amino-acid change (threonine 297 retained).
Molecular consequence: synonymous variant.
Genome position (GRCh38, 1-based): chr4:165,299,626, C>G. VCF-style: chr4-165299626-C-G. GRCh37 (hg19) VCF-style: chr4-166220778-C-G.
Other names: c.903C>G, p.Thr301= (NM_001161521.1); c.627C>G, p.Thr209= (NM_001161522.1); c.393C>G, p.Thr131= (NM_001331023.2); c.600C>G, p.Thr200= (NM_001331024.2).
Identifiers: ClinVar variation 2655169 (VCV002655169.24), dbSNP rs138582348, ClinGen allele CA3129683.